The following is an entry in ClinVar:

NM_138694.4(PKHD1):c.107C>T (p.Thr36Met)

Gene: PKHD1 (PKHD1 ciliary IPT domain containing fibrocystin/polyductin; minus strand). Cytogenetic location: 6p12.2.
Variant type: single nucleotide variant.
Coding change: c.107C>T on transcript NM_138694.4 (MANE Select); coding-DNA position 107, C replaced by T.
Protein change: p.Thr36Met; replaces threonine 36 with methionine.
Molecular consequence: missense variant.
Genome position (GRCh38, 1-based): chr6:52,083,201, G>A on the plus strand (C>T on the coding strand, the complement: PKHD1 is on the minus strand). VCF-style: chr6-52083201-G-A. GRCh37 (hg19) VCF-style: chr6-51947999-G-A.
Other names: c.107C>T (NM_170724.2); c.107C>T, p.Thr36Met (NM_170724.3); short protein forms T36M.
Identifiers: ClinVar variation 4108 (VCV000004108.143), dbSNP rs137852944, ClinGen allele CA129366.
Genomic context (GRCh38, chr6:52,083,201, plus strand): 5'-ACATAAGAAATGTGCACTTGGTAAAACCCCAACCTACCATCAAAAATGACTGTGATCCAC[G>A]TTCCCCCTGCAAGGCTACCTTCTTCAGGTTCAATATGTAAACTCAGGTGACGTACTGTAA-3'
Protein context (NP_619639.3, residues 26-46): EPEEGSLAGG[Thr36Met]WITVIFDGLE

ClinVar aggregate classification (germline): Pathogenic/Likely pathogenic. Review status: criteria provided, multiple submitters, no conflicts (2 of 4 stars). 61 submissions from 57 submitters: Pathogenic (44); Likely pathogenic (3). 14 of the submissions do not count toward it. Last evaluated 2026-06-19.

Conditions:
PKHD1-related disorder. Also called: PKHD1-related condition.
Polycystic kidney disease 4 (PKD4). Also called: Autosomal Recessive Polycystic Kidney Disease – PKHD1; POLYCYSTIC KIDNEY DISEASE 4 WITH OR WITHOUT POLYCYSTIC LIVER DISEASE; POLYCYSTIC KIDNEY AND HEPATIC DISEASE 1; POLYCYSTIC KIDNEY DISEASE, INFANTILE, TYPE I; PKD3. Identifiers: MedGen C4540575, MONDO:0033004, OMIM 263200.
Autosomal dominant polycystic liver disease. Also called: Polycystic liver disease; Congenital cystic disease of liver. Identifiers: Orphanet 2924, MedGen C0158683, MONDO:0000447, HP:0006557.
Cystic renal disease.
Inborn genetic diseases. Identifiers: MedGen C0950123, MeSH D030342.
Colorectal cancer, protection against. Identifiers: MedGen C3149111.
Autosomal recessive polycystic kidney disease (ARPKD). Also called: AR polycystic kidney disease. Identifiers: Orphanet 731, Orphanet 8378, MedGen C0085548, MeSH D017044, MONDO:0009889.
Polycystic kidney disease. Also called: Kidney, Polycystic; Polycystic kidney dysplasia. Identifiers: MedGen C0022680, MeSH D007690, MONDO:0020642, HP:0000113.
Oligohydramnios. Also called: Oligohydramnios (disease). Identifiers: MedGen C0079924, MONDO:0005881, HP:0001562.
Periportal fibrosis. Identifiers: MedGen C1849766, HP:0001405.
Renal cyst. Also called: Renal cysts; cystic kidneys; Cystic kidney disease. Identifiers: MedGen C3887499, MONDO:0002473, HP:0000107.

Allele frequency attached by ClinVar (database versions not stated): gnomAD exomes 0.00045 and 0.00058; 1000 Genomes Project 30x 0.00031; gnomAD 0.00048 and 0.00046; ESP Exome Variant Server 0.00031; ExAC 0.00052; 1000 Genomes Project 0.00020; TOPMed 0.00040.
gnomAD v4.1: 911 of 1,609,822 alleles (0.057%); highest among the groups gnomAD compares: Non-Finnish European, 0.069%; no homozygotes.

Submissions 1 to 8 of 61:

Victorian Clinical Genetics Services, Murdoch Childrens Research Institute
Classification: Pathogenic for Polycystic kidney disease 4. Last evaluated: 2026-06-19. Review status: criteria provided, single submitter. Criteria: ACMG Guidelines, 2015. Collection method: clinical testing. Allele origin: germline. Affected: yes.
Comment: This variant is classified as Pathogenic. Evidence in support of pathogenic classification: Variant is present in gnomAD <0.01 for a recessive condition (v2: 144 heterozygotes, 0 homozygotes); This variant has strong previous evidence of pathogenicity in unrelated individuals. This variant has been reported in multiple individuals with autosomal recessive polycystic kidney disease (ARPKD) (ClinVar; PMID: 27225849, PMID: 32799815); Missense variant consistently predicted to be damaging by multiple in silico tools or highly conserved with a major amino acid change. Additional information: Variant is predicted to result in a missense amino acid change from threonine to methionine; This variant is heterozygous; This gene is associated with autosomal recessive disease; however, there are emerging reports of heterozygous carriers of PKHD1 variants developing liver cysts and nephrocalcinosis (PMID: 21945273, 36691356); Multiple alternative amino acid changes at the same position have been observed in gnomAD (highest allele count: 1 heterozygote, 0 homozygotes); Variant is not located in an established domain, motif, hotspot or informative constraint region; Loss of function is a known mechanism of disease in this gene and is associated with polycystic kidney disease 4, with or without hepatic disease (MIM#263200); Variants in this gene are known to have variable expressivity. Significant intrafamilial variability has been reported (PMID: 20301501); Inheritance information for this variant is not currently available in this individual.

Genetics Laboratory, Great Ormond Street Hospital NHS Foundation Trust, North Thames Genomic Laboratory Hub
Classification: Pathogenic for Cystic renal disease. Last evaluated: 2026-06-16. Review status: criteria provided, single submitter. Criteria: ACGS Best Practice Guidelines for Variant Classification in Rare Disease 2024 v1.2. Collection method: clinical testing. Allele origin: germline. Affected: yes.
Comment: PM2_moderate, PP3_supporting, PM1_moderate, PM3_very-strong

Institute of Human Genetics, University of Leipzig Medical Center
Classification: Pathogenic for Polycystic kidney disease 4. Last evaluated: 2026-06-04. Review status: criteria provided, single submitter. Criteria: ACMG Guidelines, 2015. Collection method: clinical testing. Allele origin: unknown. Inheritance: Autosomal recessive inheritance. Affected: yes.
Comment: Criteria applied: PM3_VSTR,PM2,PM5_SUP,PP1,PP3

CeGaT Center for Human Genetics Tuebingen
Classification: Pathogenic. Last evaluated: 2026-05-01. Review status: criteria provided, single submitter. Criteria: CeGaT Center For Human Genetics Tuebingen Variant Classification Criteria Version 2. Collection method: clinical testing. Allele origin: germline. Affected: yes. Observed: 6 variant alleles.
Comment: PKHD1: PM3:Very Strong, PP1:Strong, PM2

Dasa
Classification: Pathogenic. Last evaluated: 2026-04-08. Review status: criteria provided, single submitter. Criteria: DASA Assertion Criteria. Collection method: clinical testing. Allele origin: germline.
Comment: NM_138694.4(PKHD1):c.107C>T (p.Thr36Met) is a missense variant that results in the substitution of threonine with methionine. Segregation evidence has been reported in affected families. This variant has been observed in affected individuals with related phenotype in a genotype context consistent with recessive disease (PMID: 11898128; PMID: 11919560; PMID: 12506140; PMID: 12846734; PMID: 15108281). This variant has been recurrently observed in individuals with related phenotype (PMID: 11898128; PMID: 11919560; PMID: 12506140; PMID: 12846734; PMID: 15108281). Multiple computational predictions support a deleterious effect on the gene or gene product. The variant is present at low frequency in population datasets. Based on the available data, this variant is classified as pathogenic.

Labcorp Genetics (formerly Invitae), Labcorp
Classification: Pathogenic for Autosomal recessive polycystic kidney disease. Last evaluated: 2026-01-17. Review status: criteria provided, single submitter. Criteria: Invitae Variant Classification Sherloc (09022015). Collection method: clinical testing. Allele origin: germline.
Comment: This sequence change replaces threonine, which is neutral and polar, with methionine, which is neutral and non-polar, at codon 36 of the PKHD1 protein (p.Thr36Met). This variant is present in population databases (rs137852944, gnomAD 0.09%), and has an allele count higher than expected for a pathogenic variant. This missense change has been observed in individual(s) with autosomal recessive polycystic kidney disease (ARPKD) (PMID: 11898128, 11919560, 12506140, 12846734, 15108281, 16199545, 21274727). In at least one individual the data is consistent with being in trans (on the opposite chromosome) from a pathogenic variant. It is commonly reported in individuals of European ancestry (PMID: 21274727). ClinVar contains an entry for this variant (Variation ID: 4108). Invitae Evidence Modeling of protein sequence and biophysical properties (such as structural, functional, and spatial information, amino acid conservation, physicochemical variation, residue mobility, and thermodynamic stability) indicates that this missense variant is expected to disrupt PKHD1 protein function with a positive predictive value of 95%. For these reasons, this variant has been classified as Pathogenic.

Ambry Genetics
Classification: Pathogenic for Inborn genetic diseases. Last evaluated: 2026-01-16. Review status: criteria provided, single submitter. Criteria: Ambry Variant Classification Scheme 2023. Collection method: clinical testing. Allele origin: germline.
Comment: The c.107C>T (p.T36M) alteration is located in exon 3 (coding exon 2) of the PKHD1 gene. This alteration results from a C to T substitution at nucleotide position 107, causing the threonine (T) at amino acid position 36 to be replaced by a methionine (M). Based on data from gnomAD, the T allele has an overall frequency of 0.051% (144/282706) total alleles studied. This common European mutation has been detected in multiple individuals with PKHD1-related polycystic kidney disease, in the homozygous state, the compound heterozygous state, and in the heterozygous state without a second alteration identified (Bergmann, 2003; Furu, 2003; Gunay-Aygun, 2010; Obeidova, 2015; Obeidova, 2020; Onuchic, 2002; Ward, 2011). This amino acid position is highly conserved in available vertebrate species. This alteration is predicted to be deleterious by in silico analysis. Based on the available evidence, this alteration is classified as pathogenic.

3billion
Classification: Pathogenic for Polycystic kidney disease 4. Last evaluated: 2025-12-12. Review status: criteria provided, single submitter. Criteria: ACMG Guidelines, 2015. Collection method: clinical testing. Allele origin: germline. Affected: yes.
Comment: The variant is observed at an extremely low frequency in the gnomAD v4.1.0 dataset (total allele frequency: 0.057%). Predicted Consequence/Location: Missense variant. The majority of the known disease-causing variants of this gene are variants expected to result in premature termination of the protein. In silico tool predictions suggest damaging effect of the variant on gene or gene product [REVEL: 0.75 (>=0.6, sensitivity 0.68 and specificity 0.92); 3Cnet: 0.90 (> 0.75, sensitivity 0.96 and precision 0.92)]. The same nucleotide change resulting in the same amino acid change has been previously reported as pathogenic/likely pathogenic with strong evidence (ClinVar ID: VCV000004108 /PMID: 11919560). The variant has been reported to be in trans with a pathogenic variant as either compound heterozygous or homozygous in at least 4 similarly affected unrelated individuals (PMID: 11919560). The variant has been reported to co-segregate with the disease in at least one similarly affected relative/individual in the same family or similarly affected unrelated families (PMID: 11919560). A different missense change at the same codon (p.Thr36Ala) has been reported to be associated with PKHD1-related disorder (ClinVar ID: VCV001515136). Therefore, this variant is classified as Pathogenic according to the recommendation of ACMG/AMP guideline.